The following is an entry in ClinVar:

NM_002661.5(PLCG2):c.3755+5G>C

Gene: PLCG2 (phospholipase C gamma 2; plus strand). Cytogenetic location: 16q23.3.
Variant type: single nucleotide variant.
Coding change: c.3755+5G>C on transcript NM_002661.5 (MANE Select); 5 bases into the intron after coding-DNA position 3755, G replaced by C.
Molecular consequence: intron variant.
Genome position (GRCh38, 1-based): chr16:81,956,884, G>C. VCF-style: chr16-81956884-G-C. GRCh37 (hg19) VCF-style: chr16-81990489-G-C.
Identifiers: ClinVar variation 2170631 (VCV002170631.4), dbSNP rs1430068302, ClinGen allele CA724751905.
Genomic context (GRCh38, chr16:81,956,884, plus strand): 5'-GAGTTCAGTGTTAATGAGAACCAGCTCCAGCTGTACCAGGAGAAATGCAACAAGAGGTAG[G>C]TCAGCCCCTCCACCTGCAAAAACTTTTGGGGGGTCTCTAGGCACGGTGATGATGGGCACC-3'

ClinVar aggregate classification (germline): Uncertain significance (1 of 4 stars; one submission).

Conditions:
Familial cold autoinflammatory syndrome 3 (FCAS3). Also called: FAMILIAL ATYPICAL COLD URTICARIA; ANTIBODY DEFICIENCY AND IMMUNE DYSREGULATION, PLCG2-ASSOCIATED. Identifiers: Orphanet 300359, MedGen C3280914, MONDO:0013766, OMIM 614468.

Allele frequency attached by ClinVar (database versions not stated): gnomAD 0.00002; TOPMed 0.00002.
gnomAD v4.1: 6 of 1,611,184 alleles (0.00037%); highest among the groups gnomAD compares: African/African-American, 0.0053%; no homozygotes.

Submission:

Labcorp Genetics (formerly Invitae), Labcorp
Classification: Uncertain significance for Familial cold autoinflammatory syndrome 3. Last evaluated: 2025-05-06. Review status: criteria provided, single submitter. Criteria: Invitae Variant Classification Sherloc (09022015). Collection method: clinical testing. Allele origin: germline.
Comment: This sequence change falls in intron 32 of the PLCG2 gene. It does not directly change the encoded amino acid sequence of the PLCG2 protein. It affects a nucleotide within the consensus splice site. This variant is not present in population databases (gnomAD no frequency). This variant has not been reported in the literature in individuals affected with PLCG2-related conditions. ClinVar contains an entry for this variant (Variation ID: 2170631). Variants that disrupt the consensus splice site are a relatively common cause of aberrant splicing (PMID: 17576681, 9536098). Algorithms developed to predict the effect of sequence changes on RNA splicing suggest that this variant is not likely to affect RNA splicing. In summary, the available evidence is currently insufficient to determine the role of this variant in disease. Therefore, it has been classified as a Variant of Uncertain Significance.

Literature cited by the submitters: PubMed 17576681; PubMed 9536098.